The following is an entry in ClinVar:

NM_000782.5(CYP24A1):c.1171_1174dup (p.Pro392fs)

Gene: CYP24A1 (cytochrome P450 family 24 subfamily A member 1; minus strand). Cytogenetic location: 20q13.2.
Variant type: Duplication.
Coding change: c.1171_1174dup on transcript NM_000782.5 (MANE Select); coding-DNA positions 1171 to 1174, 4 bases duplicated (GTAC; older notation c.1171_1174dupGTAC).
Protein change: p.Pro392fs; shifts the reading frame from proline 392.
Molecular consequence: frameshift variant.
Genome position (GRCh38, 1-based): chr20:54,158,148-54,158,151, GTAC duplicated on the plus strand (GTAC on the coding strand, the reverse complement: CYP24A1 is on the minus strand). VCF-style (leftmost placement, unchanged base first): chr20-54158147-G-GGTAC. GRCh37 (hg19) VCF-style: chr20-52774686-G-GGTAC.
Other names: c.1171_1174dup, p.Pro392fs (NM_001128915.2); short protein forms P392fs.
Identifiers: ClinVar variation 1914788 (VCV001914788.5), dbSNP rs2092636569, ClinGen allele CA2370264659.

ClinVar aggregate classification (germline): Pathogenic (1 of 4 stars; one submission).

Allele frequency attached by ClinVar (database versions not stated): gnomAD exomes below 0.00001; TOPMed 0.00001.

Submission:

Labcorp Genetics (formerly Invitae), Labcorp
Classification: Pathogenic. Last evaluated: 2025-01-03. Review status: criteria provided, single submitter. Criteria: Invitae Variant Classification Sherloc (09022015). Collection method: clinical testing. Allele origin: germline.
Comment: This sequence change creates a premature translational stop signal (p.Pro392Argfs*9) in the CYP24A1 gene. It is expected to result in an absent or disrupted protein product. Loss-of-function variants in CYP24A1 are known to be pathogenic (PMID: 21675912). This variant is not present in population databases (gnomAD no frequency). This variant has not been reported in the literature in individuals affected with CYP24A1-related conditions. ClinVar contains an entry for this variant (Variation ID: 1914788). For these reasons, this variant has been classified as Pathogenic.

Literature cited by the submitters: PubMed 21675912.